The following is an entry in ClinVar:

NM_001003722.2(GLE1):c.1242+1G>A

Gene: GLE1 (GLE1 RNA export mediator; plus strand). Cytogenetic location: 9q34.11.
Variant type: single nucleotide variant.
Coding change: c.1242+1G>A on transcript NM_001003722.2 (MANE Select); the canonical splice donor site of the intron after coding-DNA position 1242, G replaced by A.
Molecular consequence: splice donor variant.
Genome position (GRCh38, 1-based): chr9:128,527,292, G>A. VCF-style: chr9-128527292-G-A. GRCh37 (hg19) VCF-style: chr9-131289571-G-A.
Other names: c.1242+1G>A (NM_001499.2, NM_001411013.1).
Identifiers: ClinVar variation 1068039 (VCV001068039.7), dbSNP rs1211193705, ClinGen allele CA375041944.
Genomic context (GRCh38, chr9:128,527,292, plus strand): 5'-GATGCTTCCATGCAGTGTGTGTTGACCTTTGAGGGCCTGACCAACAGCAAGGACAGTCAG[G>A]TAGGGGAGAGGTATATGGCAGTAATTTTGTGGACTTGATGGTTCTCAGAGAATGATCACT-3'

ClinVar aggregate classification (germline): Likely pathogenic (1 of 4 stars; one submission).

Allele frequency attached by ClinVar (database versions not stated): gnomAD 0.00001; TOPMed 0.00001.

Submission:

Labcorp Genetics (formerly Invitae), Labcorp
Classification: Likely pathogenic. Last evaluated: 2020-10-08. Review status: criteria provided, single submitter. Criteria: Invitae Variant Classification Sherloc (09022015). Collection method: clinical testing. Allele origin: germline.
Comment: This sequence change affects a donor splice site in intron 8 of the GLE1 gene. It is expected to disrupt RNA splicing and likely results in an absent or disrupted protein product. In summary, the currently available evidence indicates that the variant is pathogenic, but additional data are needed to prove that conclusively. Therefore, this variant has been classified as Likely Pathogenic. Donor and acceptor splice site variants typically lead to a loss of protein function (PMID: 16199547), and loss-of-function variants in GLE1 are known to be pathogenic (PMID: 18204449, 24243016, 27684565). Algorithms developed to predict the effect of sequence changes on RNA splicing suggest that this variant may disrupt the consensus splice site, but this prediction has not been confirmed by published transcriptional studies. This variant has not been reported in the literature in individuals with GLE1-related conditions. This variant is not present in population databases (ExAC no frequency).

Literature cited by the submitters: PubMed 16199547; PubMed 18204449; PubMed 24243016; PubMed 27684565.